The following is an entry in ClinVar:

ClinVar aggregate classification (germline): Conflicting classifications of pathogenicity. Review status: criteria provided, conflicting classifications (1 of 4 stars). 2 submissions from 2 submitters: Likely pathogenic (1); Uncertain significance (1). Last evaluated 2023-05-08.

Submissions (2):

Labcorp Genetics (formerly Invitae), Labcorp
Classification: Likely pathogenic. Last evaluated: 2023-05-08. Review status: criteria provided, single submitter. Criteria: Invitae Variant Classification Sherloc (09022015). Collection method: clinical testing. Allele origin: germline.
Comment: ClinVar contains an entry for this variant (Variation ID: 1522824). This sequence change falls in intron 32 of the EYS gene. It does not directly change the encoded amino acid sequence of the EYS protein. It affects a nucleotide within the consensus splice site. This variant is not present in population databases (gnomAD no frequency). This variant has been observed in individual(s) with EYS-related conditions (Invitae). In at least one individual the data is consistent with being in trans (on the opposite chromosome) from a pathogenic variant. Variants that disrupt the consensus splice site are a relatively common cause of aberrant splicing (PMID: 17576681, 9536098). Algorithms developed to predict the effect of sequence changes on RNA splicing suggest that this variant may disrupt the consensus splice site. In summary, the currently available evidence indicates that the variant is pathogenic, but additional data are needed to prove that conclusively. Therefore, this variant has been classified as Likely Pathogenic.

Blueprint Genetics
Classification: Uncertain significance. Last evaluated: 2021-12-04. Review status: criteria provided, single submitter. Criteria: ACMG Guidelines, 2015. Collection method: clinical testing. Allele origin: germline.

Literature cited by the submitters: PubMed 17576681 (cited by Labcorp Genetics (formerly Invitae), Labcorp); PubMed 9536098 (cited by Labcorp Genetics (formerly Invitae), Labcorp).

NM_001142800.2(EYS):c.6571+6T>C

Gene: EYS (EGF-like photoreceptor maintenance factor; minus strand). Cytogenetic location: 6q12.
Variant type: single nucleotide variant.
Coding change: c.6571+6T>C on transcript NM_001142800.2 (MANE Select); 6 bases into the intron after coding-DNA position 6571, T replaced by C.
Molecular consequence: intron variant.
Genome position (GRCh38, 1-based): chr6:64,081,850, A>G on the plus strand (T>C on the coding strand, the complement: EYS is on the minus strand). VCF-style: chr6-64081850-A-G. GRCh37 (hg19) VCF-style: chr6-64791743-A-G.
Other names: c.6571+6T>C (NM_001292009.2).
Identifiers: ClinVar variation 1522824 (VCV001522824.7), dbSNP rs1582241382, ClinGen allele CA1633554883.